The following is an entry in ClinVar:

NM_005902.4(SMAD3):c.883C>T (p.Arg295Trp)

Gene: SMAD3 (SMAD family member 3; plus strand). Cytogenetic location: 15q22.33.
Variant type: single nucleotide variant.
Coding change: c.883C>T on transcript NM_005902.4 (MANE Select); coding-DNA position 883, C replaced by T.
Protein change: p.Arg295Trp; replaces arginine 295 with tryptophan.
Molecular consequence: missense variant.
Genome position (GRCh38, 1-based): chr15:67,184,738, C>T. VCF-style: chr15-67184738-C-T. GRCh37 (hg19) VCF-style: chr15-67477076-C-T.
Other names: c.568C>T, p.Arg190Trp (NM_001145102.2); c.751C>T, p.Arg251Trp (NM_001145103.2); c.298C>T, p.Arg100Trp (NM_001145104.2); short protein forms R100W, R295W, R251W, R190W.
Identifiers: ClinVar variation 846809 (VCV000846809.7), dbSNP rs1399970718, ClinGen allele CA392956686.

ClinVar aggregate classification (germline): Uncertain significance (1 of 4 stars; one submission).

Conditions:
Familial thoracic aortic aneurysm and aortic dissection (TAAD). Also called: Thoracic aortic aneurysms and dissections. Identifiers: Orphanet 91387, MedGen C4707243, MONDO:0019625.

Allele frequency attached by ClinVar (database versions not stated): gnomAD exomes below 0.00001; TOPMed below 0.00001; gnomAD 0.00001.

Submission:

Labcorp Genetics (formerly Invitae), Labcorp
Classification: Uncertain significance for Familial thoracic aortic aneurysm and aortic dissection. Last evaluated: 2019-12-13. Review status: criteria provided, single submitter. Criteria: Invitae Variant Classification Sherloc (09022015). Collection method: clinical testing. Allele origin: germline.
Comment: In summary, the available evidence is currently insufficient to determine the role of this variant in disease. Therefore, it has been classified as a Variant of Uncertain Significance. Algorithms developed to predict the effect of missense changes on protein structure and function are either unavailable or do not agree on the potential impact of this missense change (SIFT: "Not Available"; PolyPhen-2: "Probably Damaging"; Align-GVGD: "Not Available"). This variant has not been reported in the literature in individuals with SMAD3-related conditions. This variant is not present in population databases (ExAC no frequency). This sequence change replaces arginine with tryptophan at codon 295 of the SMAD3 protein (p.Arg295Trp). The arginine residue is highly conserved and there is a moderate physicochemical difference between arginine and tryptophan.